The following is an entry in ClinVar:

NM_014625.4(NPHS2):c.*157G>A

Genes: NPHS2 (NPHS2 stomatin family member, podocin; minus strand), AXDND1 (axonemal dynein light chain domain containing 1; plus strand). Cytogenetic location: 1q25.2.
Variant type: single nucleotide variant.
Coding change: c.*157G>A on transcript NM_014625.4 (MANE Select); 157 bases downstream of the stop codon, G replaced by A.
Molecular consequence: 3 prime UTR variant. On other transcripts: intron variant (1).
Genome position (GRCh38, 1-based): chr1:179,551,016, C>T on the plus strand (G>A on the coding strand, the complement: NPHS2 is on the minus strand). VCF-style: chr1-179551016-C-T. GRCh37 (hg19) VCF-style: chr1-179520151-C-T.
Other names: c.*157G>A (NM_001297575.2); c.3032-3496C>T (NM_144696.6).
Identifiers: ClinVar variation 224483 (VCV000224483.11), dbSNP rs1410590, ClinGen allele CA354125.

ClinVar aggregate classification (germline): Benign. Review status: criteria provided, multiple submitters, no conflicts (2 of 4 stars). 5 submissions from 5 submitters: Benign (4). 1 of the submissions does not count toward it. Last evaluated 2021-07-08.

Conditions:
Nephrotic syndrome, type 2 (NPHS2). Also called: NEPHROTIC SYNDROME, STEROID-RESISTANT, AUTOSOMAL RECESSIVE. Identifiers: Orphanet 656, MedGen C1868672, MONDO:0010974, OMIM 600995.

Allele frequency attached by ClinVar (database versions not stated): 1000 Genomes Project 0.90515; 1000 Genomes Project 30x 0.90662; gnomAD 0.90674 and 0.90759; TOPMed 0.90680; gnomAD exomes 0.92821.
gnomAD v4.1: 766,417 of 829,342 alleles (92%); highest among the groups gnomAD compares: East Asian, 97%; 354,642 homozygotes.

Submissions (5):

Genome-Nilou Lab
Classification: Benign for Nephrotic syndrome, type 2. Last evaluated: 2021-07-08. Review status: criteria provided, single submitter. Criteria: ACMG Guidelines, 2015. Collection method: clinical testing. Allele origin: germline. Affected: no.

GeneDx
Classification: Benign. Last evaluated: 2018-11-12. Review status: criteria provided, single submitter. Criteria: GeneDx Variant Classification Process June 2021. Collection method: clinical testing. Allele origin: germline. Affected: yes.

Illumina Laboratory Services, Illumina
Classification: Benign for Nephrotic syndrome, type 2. Last evaluated: 2018-01-12. Review status: criteria provided, single submitter. Criteria: ICSL Variant Classification Criteria 13 December 2019. Collection method: clinical testing. Allele origin: germline.
Comment: This variant was observed in the ICSL laboratory as part of a predisposition screen in an ostensibly healthy population. It had not been previously curated by ICSL or reported in the Human Gene Mutation Database (HGMD: prior to June 1st, 2018), and was therefore a candidate for classification through an automated scoring system. Utilizing variant allele frequency, disease prevalence and penetrance estimates, and inheritance mode, an automated score was calculated to assess if this variant is too frequent to cause the disease. Based on the score and internal cut-off values, a variant classified as benign is not then subjected to further curation. The score for this variant resulted in a classification of benign for this disease.

Breakthrough Genomics
Classification: Benign. Review status: criteria provided, single submitter. Criteria: ACMG Guidelines, 2015. Collection method: not provided. Allele origin: germline. Inheritance: Autosomal recessive inheritance. Affected: yes.

Human Genetics Disease in Children – Taif University, Taif University
Classification: Benign for Nephrotic syndrome, type 2. Last evaluated: 2016-01-01. Review status: no assertion criteria provided. Collection method: clinical testing. Allele origin: unknown. Affected: yes. Not counted in ClinVar's aggregate classification.